The following is an entry in ClinVar:

ClinVar aggregate classification (germline): Likely benign. Review status: criteria provided, multiple submitters, no conflicts (2 of 4 stars). 2 submissions from 2 submitters: Likely benign (2). Last evaluated 2025-09-20.

Conditions:
UGT1A1-related disorder. Also called: UGT1A1-related condition; UGT1A1-related disorders.

gnomAD v4.1: 11 of 1,614,064 alleles (0.00068%); highest among the groups gnomAD compares: East Asian, 0.0089%; no homozygotes.

Submissions (2):

PreventionGenetics, part of Exact Sciences
Classification: Likely benign for UGT1A1-related condition. Last evaluated: 2025-09-20. Review status: criteria provided, single submitter. Criteria: ACMG Guidelines, 2015. Collection method: clinical testing. Allele origin: germline.
Comment: This variant is classified as likely benign based on ACMG/AMP sequence variant interpretation guidelines (Richards et al. 2015 PMID: 25741868, with internal and published modifications).

Blueprint Genetics
Classification: Likely benign. Last evaluated: 2024-03-01. Review status: criteria provided, single submitter. Criteria: ACMG Guidelines, 2015. Collection method: clinical testing. Allele origin: germline.

NM_000463.3(UGT1A1):c.420G>A (p.Leu140=)

Genes: UGT1A (UDP glucuronosyltransferase family 1 member A complex locus; plus strand), UGT1A1 (UDP glucuronosyltransferase family 1 member A1; plus strand), UGT1A10 (UDP glucuronosyltransferase family 1 member A10; plus strand), UGT1A3 (UDP glucuronosyltransferase family 1 member A3; plus strand), UGT1A4 (UDP glucuronosyltransferase family 1 member A4; plus strand) and 5 more. Cytogenetic location: 2q37.1.
Variant type: single nucleotide variant.
Coding change: c.420G>A on transcript NM_000463.3 (MANE Select); coding-DNA position 420, G replaced by A.
Protein change: p.Leu140=; no amino-acid change (leucine 140 retained).
Molecular consequence: synonymous variant. On other transcripts: intron variant (9).
Genome position (GRCh38, 1-based): chr2:233,760,707, G>A. VCF-style: chr2-233760707-G-A. GRCh37 (hg19) VCF-style: chr2-234669353-G-A.
Other names: c.856-6327G>A (NM_019076.5, NM_019075.4, NM_021027.3 and 1 more transcripts); c.61-6327G>A (NM_205862.3); c.862-6327G>A (NM_001072.4); c.868-6327G>A (NM_019078.2, NM_007120.3, NM_019093.4).
Identifiers: ClinVar variation 4960663 (VCV004960663.2).